The following is an entry in ClinVar:

ClinVar aggregate classification (germline): Benign/Likely benign. Review status: criteria provided, multiple submitters, no conflicts (2 of 4 stars). 2 submissions from 2 submitters: Benign (1); Likely benign (1). Last evaluated 2025-12-18.

Conditions:
CAV3-related disorder. Also called: CAV3-related condition.

Allele frequency attached by ClinVar (database versions not stated): gnomAD exomes 0.00007 and 0.00010; ESP Exome Variant Server 0.00008; TOPMed 0.00008; gnomAD 0.00009; ExAC 0.00014.
gnomAD v4.1: 95 of 1,203,882 alleles (0.0079%); highest among the groups gnomAD compares: South Asian, 0.029%; no homozygotes.

Submissions (2):

PreventionGenetics, part of Exact Sciences
Classification: Likely benign for CAV3-related condition. Last evaluated: 2025-12-18. Review status: criteria provided, single submitter. Criteria: ACMG Guidelines, 2015. Collection method: clinical testing. Allele origin: germline.
Comment: This variant is classified as likely benign based on ACMG/AMP sequence variant interpretation guidelines (Richards et al. 2015 PMID: 25741868, with internal and published modifications).

GeneDx
Classification: Benign. Last evaluated: 2015-03-03. Review status: criteria provided, single submitter. Criteria: GeneDx Variant Classification Process June 2021. Collection method: clinical testing. Allele origin: germline. Affected: yes.

NM_033337.3(CAV3):c.-46G>A

Gene: CAV3 (caveolin 3; plus strand). Cytogenetic location: 3p25.3.
Variant type: single nucleotide variant.
Coding change: c.-46G>A on transcript NM_033337.3 (MANE Select); 46 bases upstream of the start codon, G replaced by A.
Molecular consequence: 5 prime UTR variant.
Genome position (GRCh38, 1-based): chr3:8,733,831, G>A. VCF-style: chr3-8733831-G-A. GRCh37 (hg19) VCF-style: chr3-8775517-G-A.
Other names: c.-46G>A (NM_001234.5, NM_033337.2).
Identifiers: ClinVar variation 1292446 (VCV001292446.3), dbSNP rs368151958, ClinGen allele CA2236268.
Genomic context (GRCh38, chr3:8,733,831, plus strand): 5'-GGACATAAGTCTGGGGACACTGAATTGGTCTCTCTGCCCCAAGTATTTTCAGCCCCAGCC[G>A]GCCACACAGCTCGGATCTCCTCCTGTGGATCCCCCCAGCTCTGCGATGATGGCAGAAGAG-3'